The following is an entry in ClinVar:

ClinVar aggregate classification (germline): Pathogenic (1 of 4 stars; one submission).

Conditions:
Supravalvar aortic stenosis (SVAS). Also called: Supravalvar aortic stenosis, Eisenberg type. Identifiers: Orphanet 3193, MedGen C0003499, MONDO:0008504, OMIM 185500, HP:0004381.

Submission:

Labcorp Genetics (formerly Invitae), Labcorp
Classification: Pathogenic for Supravalvar aortic stenosis. Last evaluated: 2022-06-20. Review status: criteria provided, single submitter. Criteria: Invitae Variant Classification Sherloc (09022015). Collection method: clinical testing. Allele origin: germline.
Comment: This variant has not been reported in the literature in individuals affected with ELN-related conditions. This variant is not present in population databases (gnomAD no frequency). This sequence change creates a premature translational stop signal (p.Ala32Profs*90) in the ELN gene. It is expected to result in an absent or disrupted protein product. Loss-of-function variants in ELN are known to be pathogenic (PMID: 11175284). For these reasons, this variant has been classified as Pathogenic.

Literature cited by the submitters: PubMed 11175284.

NM_000501.4(ELN):c.94del (p.Ala32fs)

Gene: ELN (elastin; plus strand). Cytogenetic location: 7q11.23.
Variant type: Deletion.
Coding change: c.94del on transcript NM_000501.4 (MANE Select); coding-DNA position 94, one base deleted (G; older notation c.94delG).
Protein change: p.Ala32fs; shifts the reading frame from alanine 32.
Molecular consequence: frameshift variant.
Genome position (GRCh38, 1-based): chr7:74,035,375, G deleted; the last of 4 consecutive G bases (chr7:74,035,372-74,035,375); deleting any one gives the same sequence. VCF-style (leftmost placement, unchanged base first): chr7-74035371-TG-T. GRCh37 (hg19) VCF-style: chr7-73449701-TG-T.
Other names: c.94del, p.Ala32fs (NM_001081752.3, NM_001081753.3, NM_001081754.3 and 9 more transcripts); short protein forms A32fs.
Identifiers: ClinVar variation 2008743 (VCV002008743.4), dbSNP rs2484780987, ClinGen allele CA2580077337.